The following is an entry in ClinVar:

ClinVar aggregate classification (germline): Uncertain significance (1 of 4 stars; one submission).

Submission:

Labcorp Genetics (formerly Invitae), Labcorp
Classification: Uncertain significance. Last evaluated: 2024-08-28. Review status: criteria provided, single submitter. Criteria: Invitae Variant Classification Sherloc (09022015). Collection method: clinical testing. Allele origin: germline.
Comment: This sequence change replaces valine, which is neutral and non-polar, with leucine, which is neutral and non-polar, at codon 1379 of the DUOX2 protein (p.Val1379Leu). This variant is not present in population databases (gnomAD no frequency). This variant has not been reported in the literature in individuals affected with DUOX2-related conditions. Invitae Evidence Modeling of protein sequence and biophysical properties (such as structural, functional, and spatial information, amino acid conservation, physicochemical variation, residue mobility, and thermodynamic stability) indicates that this missense variant is expected to disrupt DUOX2 protein function with a positive predictive value of 80%. In summary, the available evidence is currently insufficient to determine the role of this variant in disease. Therefore, it has been classified as a Variant of Uncertain Significance.

NM_001363711.2(DUOX2):c.4135G>T (p.Val1379Leu)

Gene: DUOX2 (dual oxidase 2; minus strand). Cytogenetic location: 15q21.1.
Variant type: single nucleotide variant.
Coding change: c.4135G>T on transcript NM_001363711.2 (MANE Select); coding-DNA position 4135, G replaced by T.
Protein change: p.Val1379Leu; replaces valine 1379 with leucine.
Molecular consequence: missense variant.
Genome position (GRCh38, 1-based): chr15:45,095,541, C>A on the plus strand (G>T on the coding strand, the complement: DUOX2 is on the minus strand). VCF-style: chr15-45095541-C-A. GRCh37 (hg19) VCF-style: chr15-45387739-C-A.
Other names: c.4135G>T, p.Val1379Leu (NM_014080.5); short protein forms V1379L.
Identifiers: ClinVar variation 3688466 (VCV003688466.2).
Genomic context (GRCh38, chr15:45,095,541, plus strand): 5'-GGTCTTTGAGGATGGAGGCAAAGGGGGTGACCCCAATGCCCCCTCCCACCAACACTGACA[C>A]CTCAAATTTATGCCACTCCTGATGGCCCTCTCCAAACGGTCCATCAAGGTACAGCTGCCA-3'
Protein context (NP_001350640.1, residues 1369-1389): EGHQEWHKFE[Val1379Leu]SVLVGGGIGV